The following is an entry in ClinVar:

NM_001018005.2(TPM1):c.241G>A (p.Ala81Thr)

Gene: TPM1 (tropomyosin 1; plus strand). Cytogenetic location: 15q22.2.
Variant type: single nucleotide variant.
Coding change: c.241G>A on transcript NM_001018005.2 (MANE Select); coding-DNA position 241, G replaced by A.
Protein change: p.Ala81Thr; replaces alanine 81 with threonine.
Molecular consequence: missense variant. On other transcripts: non-coding transcript variant (17).
Genome position (GRCh38, 1-based): chr15:63,056,985, G>A. VCF-style: chr15-63056985-G-A. GRCh37 (hg19) VCF-style: chr15-63349184-G-A.
Other names: c.241G>A, p.Ala81Thr (NM_000366.6, NM_001018004.2, NM_001018006.2 and 20 more transcripts); c.133G>A, p.Ala45Thr (NM_001407340.1, NM_001407341.1, NM_001407342.1 and 9 more transcripts); c.367G>A, p.Ala123Thr (NM_001365778.1, NM_001407322.1, NM_001407323.1 and 1 more transcripts); short protein forms A45T, A123T, A81T.
Identifiers: ClinVar variation 2748953 (VCV002748953.3), dbSNP rs2542718924, ClinGen allele CA392720598.

ClinVar aggregate classification (germline): Uncertain significance (1 of 4 stars; one submission).

Conditions:
Hypertrophic cardiomyopathy. Also called: HYPERTROPHIC MYOCARDIOPATHY. Identifiers: Orphanet 217569, MedGen C0007194, MeSH D002312, MONDO:0005045, HP:0001639.

Submission:

Labcorp Genetics (formerly Invitae), Labcorp
Classification: Uncertain significance for Hypertrophic cardiomyopathy. Last evaluated: 2023-08-01. Review status: criteria provided, single submitter. Criteria: Invitae Variant Classification Sherloc (09022015). Collection method: clinical testing. Allele origin: germline.
Comment: This sequence change replaces alanine, which is neutral and non-polar, with threonine, which is neutral and polar, at codon 81 of the TPM1 protein (p.Ala81Thr). This variant is not present in population databases (gnomAD no frequency). This variant has not been reported in the literature in individuals affected with TPM1-related conditions. An algorithm developed to predict the effect of missense changes on protein structure and function (PolyPhen-2) suggests that this variant is likely to be disruptive. In summary, the available evidence is currently insufficient to determine the role of this variant in disease. Therefore, it has been classified as a Variant of Uncertain Significance.